The following is an entry in ClinVar:

ClinVar aggregate classification (germline): Uncertain significance. Review status: criteria provided, multiple submitters, no conflicts (2 of 4 stars). 2 submissions from 2 submitters: Uncertain significance (2). Last evaluated 2025-12-12.

Conditions:
Cardiovascular phenotype. Identifiers: MedGen CN230736.
Hypertrophic cardiomyopathy 12. Identifiers: MedGen C2677491, MONDO:0012804, OMIM 612124.
Dilated cardiomyopathy 1M (CMD1M). Identifiers: Orphanet 154, MedGen C1843808, MONDO:0011840, OMIM 607482.

Allele frequency attached by ClinVar (database versions not stated): ESP Exome Variant Server 0.00008; gnomAD exomes below 0.00001 and 0.00001; TOPMed below 0.00001; ExAC 0.00001.
gnomAD v4.1: 4 of 1,614,198 alleles (0.00025%); highest among the groups gnomAD compares: South Asian, 0.0011%; no homozygotes.

Submissions (2):

Labcorp Genetics (formerly Invitae), Labcorp
Classification: Uncertain significance for Hypertrophic cardiomyopathy 12; Dilated cardiomyopathy 1M. Last evaluated: 2025-12-12. Review status: criteria provided, single submitter. Criteria: Invitae Variant Classification Sherloc (09022015). Collection method: clinical testing. Allele origin: germline.
Comment: This sequence change replaces cysteine, which is neutral and slightly polar, with tyrosine, which is neutral and polar, at codon 10 of the CSRP3 protein (p.Cys10Tyr). This variant is present in population databases (rs141980088, gnomAD 0.003%). This variant has not been reported in the literature in individuals affected with CSRP3-related conditions. ClinVar contains an entry for this variant (Variation ID: 575777). An algorithm developed to predict the effect of missense changes on protein structure and function (PolyPhen-2) suggests that this variant is likely to be disruptive. In summary, the available evidence is currently insufficient to determine the role of this variant in disease. Therefore, it has been classified as a Variant of Uncertain Significance.

Ambry Genetics
Classification: Uncertain significance for Cardiovascular phenotype. Last evaluated: 2021-10-29. Review status: criteria provided, single submitter. Criteria: Ambry Variant Classification Scheme 2023. Collection method: clinical testing. Allele origin: germline.
Comment: The p.C10Y variant (also known as c.29G>A), located in coding exon 1 of the CSRP3 gene, results from a G to A substitution at nucleotide position 29. The cysteine at codon 10 is replaced by tyrosine, an amino acid with highly dissimilar properties. This amino acid position is conserved. In addition, this alteration is predicted to be deleterious by in silico analysis. Since supporting evidence is limited at this time, the clinical significance of this alteration remains unclear.

NM_003476.5(CSRP3):c.29G>A (p.Cys10Tyr)

Gene: CSRP3 (cysteine and glycine rich protein 3; minus strand). Cytogenetic location: 11p15.1.
Variant type: single nucleotide variant.
Coding change: c.29G>A on transcript NM_003476.5 (MANE Select); coding-DNA position 29, G replaced by A.
Protein change: p.Cys10Tyr; replaces cysteine 10 with tyrosine.
Molecular consequence: missense variant.
Genome position (GRCh38, 1-based): chr11:19,192,420, C>T on the plus strand (G>A on the coding strand, the complement: CSRP3 is on the minus strand). VCF-style: chr11-19192420-C-T. GRCh37 (hg19) VCF-style: chr11-19213967-C-T.
Other names: c.29G>A, p.Cys10Tyr (NM_001369404.1); short protein forms C10Y.
Identifiers: ClinVar variation 575777 (VCV000575777.8), dbSNP rs141980088, ClinGen allele CA5916685.